The following is an entry in ClinVar:

NM_004972.4(JAK2):c.2669A>G (p.Glu890Gly)

Genes: INSL6 (insulin like 6; minus strand), JAK2 (Janus kinase 2; plus strand). Cytogenetic location: 9p24.1.
Variant type: single nucleotide variant.
Coding change: c.2669A>G on transcript NM_004972.4 (MANE Select); coding-DNA position 2669, A replaced by G.
Protein change: p.Glu890Gly; replaces glutamic acid 890 with glycine.
Molecular consequence: missense variant. On other transcripts: non-coding transcript variant (2).
Genome position (GRCh38, 1-based): chr9:5,089,771, A>G. VCF-style: chr9-5089771-A-G. GRCh37 (hg19) VCF-style: chr9-5089771-A-G.
Other names: c.2669A>G, p.Glu890Gly (NM_001322194.2, NM_001322195.2, NM_001322196.2); c.1454A>G, p.Glu485Gly (NM_001322198.2, NM_001322199.2); c.2222A>G, p.Glu741Gly (NM_001322204.2); short protein forms E741G, E890G, E485G.
Identifiers: ClinVar variation 2047001 (VCV002047001.4), dbSNP rs368599778, ClinGen allele CA4972210.

ClinVar aggregate classification (germline): Uncertain significance (1 of 4 stars; one submission).

Allele frequency attached by ClinVar (database versions not stated): ExAC 0.00003; ESP Exome Variant Server 0.00008; gnomAD exomes 0.00010; TOPMed 0.00013; gnomAD 0.00016.
gnomAD v4.1: 162 of 1,599,060 alleles (0.01%); highest among the groups gnomAD compares: Admixed American, 0.039%; no homozygotes.

Submission:

Labcorp Genetics (formerly Invitae), Labcorp
Classification: Uncertain significance. Last evaluated: 2025-02-18. Review status: criteria provided, single submitter. Criteria: Invitae Variant Classification Sherloc (09022015). Collection method: clinical testing. Allele origin: germline.
Comment: This sequence change replaces glutamic acid, which is acidic and polar, with glycine, which is neutral and non-polar, at codon 890 of the JAK2 protein (p.Glu890Gly). This variant is present in population databases (rs368599778, gnomAD 0.02%). This variant has not been reported in the literature in individuals affected with JAK2-related conditions. ClinVar contains an entry for this variant (Variation ID: 2047001). Invitae Evidence Modeling of protein sequence and biophysical properties (such as structural, functional, and spatial information, amino acid conservation, physicochemical variation, residue mobility, and thermodynamic stability) indicates that this missense variant is not expected to disrupt JAK2 protein function with a negative predictive value of 80%. In summary, the available evidence is currently insufficient to determine the role of this variant in disease. Therefore, it has been classified as a Variant of Uncertain Significance.